The following is an entry in ClinVar:

NM_000140.5(FECH):c.67+5G>A

Genes: FECH (ferrochelatase; minus strand), LOC130062560 (ATAC-STARR-seq lymphoblastoid silent region 9481; plus strand). Cytogenetic location: 18q21.31.
Variant type: single nucleotide variant.
Coding change: c.67+5G>A on transcript NM_000140.5 (MANE Select); 5 bases into the intron after coding-DNA position 67, G replaced by A.
Molecular consequence: intron variant.
Genome position (GRCh38, 1-based): chr18:57,586,549, C>T on the plus strand (G>A on the coding strand, the complement: FECH is on the minus strand). VCF-style: chr18-57586549-C-T. GRCh37 (hg19) VCF-style: chr18-55253781-C-T.
Other names: c.67+5G>A (NM_001371094.1, NM_001374778.1, NM_001012515.4); c.-260+5G>A (NM_001371095.1).
Identifiers: ClinVar variation 1510471 (VCV001510471.6), dbSNP rs1205361096, ClinGen allele CA2573155440.
Genomic context (GRCh38, chr18:57,586,549, plus strand): 5'-GCCCGCTCTGCCCACGCCTTCTCAGGGATCCTGGCCCTGGCGGCCGCCGCGACAGACCCA[C>T]TTACGCGGATCGCGGAGCAGGACGCCCGCGGCGCGCAGGGCCGCAGCCATGTTTGCGCCG-3'

ClinVar aggregate classification (germline): Likely pathogenic (1 of 4 stars; one submission).

Submission:

Labcorp Genetics (formerly Invitae), Labcorp
Classification: Likely pathogenic. Last evaluated: 2025-10-09. Review status: criteria provided, single submitter. Criteria: Invitae Variant Classification Sherloc (09022015). Collection method: clinical testing. Allele origin: germline.
Comment: This sequence change falls in intron 1 of the FECH gene. It does not directly change the encoded amino acid sequence of the FECH protein. It affects a nucleotide within the consensus splice site. This variant is not present in population databases (gnomAD no frequency). This variant has been observed in individuals with clinical features of erythropoietic protoporphyria (PMID: 10417624, 29941360, 33021473; internal data). This variant is also known as g(+5)-->A. ClinVar contains an entry for this variant (Variation ID: 1510471). Variants that disrupt the consensus splice site are a relatively common cause of aberrant splicing (PMID: 17576681, 9536098). Algorithms developed to predict the effect of sequence changes on RNA splicing suggest that this variant may disrupt the consensus splice site. In summary, the currently available evidence indicates that the variant is pathogenic, but additional data are needed to prove that conclusively. Therefore, this variant has been classified as Likely Pathogenic.

Literature cited by the submitters: PubMed 10417624; PubMed 29941360; PubMed 33021473; PubMed 17576681; PubMed 9536098.